The following is an entry in ClinVar:

ClinVar aggregate classification (germline): Benign. Review status: criteria provided, multiple submitters, no conflicts (2 of 4 stars). 11 submissions from 10 submitters: Benign (9). 2 of the submissions do not count toward it. Last evaluated 2026-02-04.

Conditions:
Hennekam lymphangiectasia-lymphedema syndrome 2 (HKLLS2). Identifiers: Orphanet 2136, MedGen C4014939, MONDO:0014454, OMIM 616006.
Van Maldergem syndrome 2 (VMLDS2). Identifiers: Orphanet 314679, MedGen C3809875, MONDO:0014242, OMIM 615546.

Allele frequency attached by ClinVar (database versions not stated): gnomAD exomes 0.69438 and 0.70268; ExAC 0.70116; 1000 Genomes Project 0.72105; 1000 Genomes Project 30x 0.73173; gnomAD 0.74319 and 0.74871; TOPMed 0.75488; ESP Exome Variant Server 0.76595.
gnomAD v4.1: 1,139,283 of 1,612,446 alleles (71%); highest among the groups gnomAD compares: African/African-American, 89%; 405,804 homozygotes.

Submissions (11):

Labcorp Genetics (formerly Invitae), Labcorp
Classification: Benign. Last evaluated: 2026-02-04. Review status: criteria provided, single submitter. Criteria: Invitae Variant Classification Sherloc (09022015). Collection method: clinical testing. Allele origin: germline.

Blueprint Genetics
Classification: Benign. Last evaluated: 2024-11-26. Review status: criteria provided, single submitter. Criteria: ACMG Guidelines, 2015. Collection method: clinical testing. Allele origin: germline.

Unidad de Genómica Garrahan, Hospital de Pediatría Garrahan
Classification: Benign. Last evaluated: 2024-01-24. Review status: criteria provided, single submitter. Criteria: ACMG Guidelines, 2015. Collection method: clinical testing. Allele origin: germline. Affected: no. Observed: 90 variant alleles.
Comment: This variant is classified as Benign based on local population frequency. This variant was detected in 95% of patients studied by a panel of primary immunodeficiencies. Number of patients: 90. Only high quality variants are reported.

Genome-Nilou Lab
Classification: Benign for Hennekam lymphangiectasia-lymphedema syndrome 2. Last evaluated: 2021-08-10. Review status: criteria provided, single submitter. Criteria: ACMG Guidelines, 2015. Collection method: clinical testing. Allele origin: germline. Affected: no.

Genome-Nilou Lab
Classification: Benign for Van Maldergem syndrome 2. Last evaluated: 2021-08-10. Review status: criteria provided, single submitter. Criteria: ACMG Guidelines, 2015. Collection method: clinical testing. Allele origin: germline. Affected: no.

Mayo Clinic Laboratories, Mayo Clinic
Classification: Benign. Last evaluated: 2021-04-07. Review status: criteria provided, single submitter. Criteria: ACMG Guidelines, 2015. Collection method: clinical testing. Allele origin: germline. Observed: 3 variant alleles.

Laboratory for Molecular Medicine, Mass General Brigham Personalized Medicine
Classification: Benign. Last evaluated: 2016-03-29. Review status: criteria provided, single submitter. Criteria: LMM Criteria. Collection method: clinical testing. Allele origin: germline.
Comment: Variant identified in a genome or exome case(s) and assessed due to predicted null impact of the variant or pathogenic assertions in the literature or databases. Disclaimer: This variant has not undergone full assessment. The following are preliminary notes: 70% of total chromosomes in ExAC

GeneDx
Classification: Benign. Last evaluated: 2016-01-08. Review status: criteria provided, single submitter. Criteria: GeneDx Variant Classification (06012015). Collection method: clinical testing. Allele origin: germline. Affected: yes.
Comment: This variant is considered likely benign or benign based on one or more of the following criteria: it is a conservative change, it occurs at a poorly conserved position in the protein, it is predicted to be benign by multiple in silico algorithms, and/or has population frequency not consistent with disease.

Breakthrough Genomics
Classification: Benign. Review status: criteria provided, single submitter. Criteria: ACMG Guidelines, 2015. Collection method: not provided. Allele origin: germline. Inheritance: Autosomal recessive inheritance. Affected: yes.

Clinical Genetics DNA and cytogenetics Diagnostics Lab, Erasmus MC, Erasmus Medical Center
Classification: Benign. Review status: no assertion criteria provided. Collection method: clinical testing. Allele origin: germline. Affected: yes. Study: VKGL Data-share Consensus. Not counted in ClinVar's aggregate classification.

Clinical Genetics, Academic Medical Center
Classification: Benign. Review status: no assertion criteria provided. Collection method: clinical testing. Allele origin: germline. Affected: yes. Study: VKGL Data-share Consensus. Not counted in ClinVar's aggregate classification.

NM_001291303.3(FAT4):c.2944T>C (p.Leu982=)

Gene: FAT4 (FAT atypical cadherin 4; plus strand). Cytogenetic location: 4q28.1.
Variant type: single nucleotide variant.
Coding change: c.2944T>C on transcript NM_001291303.3 (MANE Select); coding-DNA position 2944, T replaced by C.
Protein change: p.Leu982=; no amino-acid change (leucine 982 retained).
Molecular consequence: synonymous variant.
Genome position (GRCh38, 1-based): chr4:125,319,355, T>C. VCF-style: chr4-125319355-T-C. GRCh37 (hg19) VCF-style: chr4-126240510-T-C.
Other names: p.Leu982=; c.2944T>C, p.Leu982= (NM_001291285.3, NM_024582.6).
Identifiers: ClinVar variation 380793 (VCV000380793.20), dbSNP rs2940779, ClinGen allele CA3072232.